The following is an entry in ClinVar:

NM_005198.5(CHKB):c.334-9C>G

Genes: CHKB (choline kinase beta; minus strand), CHKB-CPT1B (CHKB-CPT1B readthrough (NMD candidate); minus strand). Cytogenetic location: 22q13.33.
Variant type: single nucleotide variant.
Coding change: c.334-9C>G on transcript NM_005198.5 (MANE Select); 9 bases into the intron before coding-DNA position 334, C replaced by G.
Molecular consequence: intron variant.
Genome position (GRCh38, 1-based): chr22:50,581,871, G>C on the plus strand (C>G on the coding strand, the complement: CHKB is on the minus strand). VCF-style: chr22-50581871-G-C. GRCh37 (hg19) VCF-style: chr22-51020300-G-C.
Identifiers: ClinVar variation 4883841 (VCV004883841.2).

ClinVar aggregate classification (germline): Uncertain significance (1 of 4 stars; one submission).

gnomAD v4.1: 3 of 1,613,112 alleles (0.00019%); highest among the groups gnomAD compares: Non-Finnish European, 0.00025%; no homozygotes.

Submission:

Dasa
Classification: Uncertain significance. Last evaluated: 2025-05-16. Review status: criteria provided, single submitter. Criteria: DASA Assertion Criteria. Collection method: clinical testing. Allele origin: germline.
Comment: NM_005198.5(CHKB):c.334-9C>G is a splice-region variant. This variant is rare in population databases. Computational prediction algorithms are consistent with a benign effect. The currently available literature and clinical evidence are not sufficient to establish a definitive association between this variant and the reported condition. Therefore, this variant is classified as a variant of uncertain significance.